The following is an entry in ClinVar:

ClinVar aggregate classification (germline): Likely benign. Review status: criteria provided, single submitter (1 of 4 stars). 2 submissions from 2 submitters: Likely benign (1). 1 of the submissions does not count toward it. Last evaluated 2025-02-23.

Conditions:
MYO1E-related disorder. Also called: MYO1E-related condition.

Allele frequency attached by ClinVar (database versions not stated): ExAC 0.00001; gnomAD exomes 0.00001; TOPMed 0.00001; gnomAD 0.00003.
gnomAD v4.1: 21 of 1,613,720 alleles (0.0013%); highest among the groups gnomAD compares: Middle Eastern, 0.23%; 1 homozygote.

Submissions (2):

Labcorp Genetics (formerly Invitae), Labcorp
Classification: Likely benign. Last evaluated: 2025-02-23. Review status: criteria provided, single submitter. Criteria: Invitae Variant Classification Sherloc (09022015). Collection method: clinical testing. Allele origin: germline.

PreventionGenetics, part of Exact Sciences
Classification: Likely benign for MYO1E-related condition. Last evaluated: 2019-10-28. Review status: no assertion criteria provided. Collection method: clinical testing. Allele origin: germline. Not counted in ClinVar's aggregate classification.
Comment: This variant is classified as likely benign based on ACMG/AMP sequence variant interpretation guidelines (Richards et al. 2015 PMID: 25741868, with internal and published modifications).

NM_004998.4(MYO1E):c.1155C>T (p.Gly385=)

Gene: MYO1E (myosin IE; minus strand). Cytogenetic location: 15q22.2.
Variant type: single nucleotide variant.
Coding change: c.1155C>T on transcript NM_004998.4 (MANE Select); coding-DNA position 1155, C replaced by T.
Protein change: p.Gly385=; no amino-acid change (glycine 385 retained).
Molecular consequence: synonymous variant.
Genome position (GRCh38, 1-based): chr15:59,214,673, G>A on the plus strand (C>T on the coding strand, the complement: MYO1E is on the minus strand). VCF-style: chr15-59214673-G-A. GRCh37 (hg19) VCF-style: chr15-59506872-G-A.
Other names: c.1155C>T (NM_004998.3).
Identifiers: ClinVar variation 1669741 (VCV001669741.10), dbSNP rs536266133, ClinGen allele CA7590046.